The following is an entry in ClinVar:

ClinVar aggregate classification (germline): Likely benign (0 of 4 stars; one submission).

Conditions:
PER3-related disorder. Also called: PER3-related condition.

Allele frequency attached by ClinVar (database versions not stated): ExAC 0.00001; gnomAD exomes 0.00002; gnomAD 0.00003; TOPMed 0.00009; ESP Exome Variant Server 0.00015.
gnomAD v4.1: 37 of 1,613,838 alleles (0.0023%); highest among the groups gnomAD compares: Middle Eastern, 0.033%; no homozygotes.

Submission:

PreventionGenetics, part of Exact Sciences
Classification: Likely benign for PER3-related condition. Last evaluated: 2019-06-27. Review status: no assertion criteria provided. Collection method: clinical testing. Allele origin: germline.
Comment: This variant is classified as likely benign based on ACMG/AMP sequence variant interpretation guidelines (Richards et al. 2015 PMID: 25741868, with internal and published modifications).

NM_001377275.1(PER3):c.918A>G (p.Thr306=)

Gene: PER3 (period circadian regulator 3; plus strand). Cytogenetic location: 1p36.23.
Variant type: single nucleotide variant.
Coding change: c.918A>G on transcript NM_001377275.1 (MANE Select); coding-DNA position 918, A replaced by G.
Protein change: p.Thr306=; no amino-acid change (threonine 306 retained).
Molecular consequence: synonymous variant. On other transcripts: 5 prime UTR variant (1).
Genome position (GRCh38, 1-based): chr1:7,803,092, A>G. VCF-style: chr1-7803092-A-G. GRCh37 (hg19) VCF-style: chr1-7863152-A-G.
Other names: c.918A>G, p.Thr306= (NM_001289861.2, NM_001289862.2, NM_001289863.3 and 1 more transcripts); c.-40A>G (NM_001289864.3); c.915A>G, p.Thr305= (NM_016831.4).
Identifiers: ClinVar variation 3042943 (VCV003042943.2), dbSNP rs140044547, ClinGen allele CA567919.